The following is an entry in ClinVar:

NM_016507.4(CDK12):c.259A>G (p.Met87Val)

Genes: CDK12 (cyclin dependent kinase 12; plus strand), LOC126862553 (CDK7 strongly-dependent group 2 enhancer GRCh37_chr17:37618166-37619365; plus strand). Cytogenetic location: 17q12.
Variant type: single nucleotide variant.
Coding change: c.259A>G on transcript NM_016507.4 (MANE Select); coding-DNA position 259, A replaced by G.
Protein change: p.Met87Val; replaces methionine 87 with valine.
Molecular consequence: missense variant.
Genome position (GRCh38, 1-based): chr17:39,462,330, A>G. VCF-style: chr17-39462330-A-G. GRCh37 (hg19) VCF-style: chr17-37618583-A-G.
Other names: c.259A>G, p.Met87Val (NM_015083.4); short protein forms M87V.
Identifiers: ClinVar variation 3489275 (VCV003489275.1).

ClinVar aggregate classification (germline): Uncertain significance (1 of 4 stars; one submission).

gnomAD v4.1: 20 of 1,614,098 alleles (0.0012%); highest among the groups gnomAD compares: African/African-American, 0.004%; no homozygotes.

Submission:

Ambry Genetics
Classification: Uncertain significance. Last evaluated: 2024-11-24. Review status: criteria provided, single submitter. Criteria: Ambry Variant Classification Scheme 2023. Collection method: clinical testing. Allele origin: germline.
Comment: The p.M87V variant (also known as c.259A>G), located in coding exon 1 of the CDK12 gene, results from an A to G substitution at nucleotide position 259. The methionine at codon 87 is replaced by valine, an amino acid with highly similar properties. This amino acid position is conserved. In addition, this alteration is predicted to be tolerated by in silico analysis. Based on the available evidence, the clinical significance of this variant remains unclear.